The following is an entry in ClinVar:

NM_052874.5(STX1B):c.686T>C (p.Ile229Thr)

Gene: STX1B (syntaxin 1B; minus strand). Cytogenetic location: 16p11.2.
Variant type: single nucleotide variant.
Coding change: c.686T>C on transcript NM_052874.5 (MANE Select); coding-DNA position 686, T replaced by C.
Protein change: p.Ile229Thr; replaces isoleucine 229 with threonine.
Molecular consequence: missense variant.
Genome position (GRCh38, 1-based): chr16:30,993,230, A>G on the plus strand (T>C on the coding strand, the complement: STX1B is on the minus strand). VCF-style: chr16-30993230-A-G. GRCh37 (hg19) VCF-style: chr16-31004551-A-G.
Other names: short protein forms I229T.
Identifiers: ClinVar variation 3368202 (VCV003368202.1).
Genomic context (GRCh38, chr16:30,993,230, plus strand): 5'-TCAGACACAGCTCGCTCCACGTAGTCCACAGAATGTTCCACGTTGTACTCGATGCGGTCA[A>G]TCATCTCTCCCTGCAGACAGAGGAGACATGCACAGGGAGGGATGGGGGCTGGGCTGGAAG-3'
Protein context (NP_443106.1, residues 219-239): AMLVESQGEM[Ile229Thr]DRIEYNVEHS

ClinVar aggregate classification (germline): Uncertain significance (1 of 4 stars; one submission).

gnomAD v4.1: 1 of 1,614,208 alleles (0.000062%); highest among the groups gnomAD compares: Non-Finnish European, 0.000085%; no homozygotes.

Submission:

GeneDx
Classification: Uncertain significance. Last evaluated: 2024-02-02. Review status: criteria provided, single submitter. Criteria: GeneDx Variant Classification Process June 2021. Collection method: clinical testing. Allele origin: germline. Affected: yes.
Comment: Not observed at significant frequency in large population cohorts (gnomAD); In silico analysis supports that this missense variant has a deleterious effect on protein structure/function; Has not been previously published as pathogenic or benign to our knowledge